The following is an entry in ClinVar:

NM_001371986.1(UNC80):c.3701A>G (p.Asn1234Ser)

Genes: UNC80 (unc-80 subunit of NALCN channel complex; plus strand), LOC121725110 (Sharpr-MPRA regulatory region 8902; plus strand). Cytogenetic location: 2q34.
Variant type: single nucleotide variant.
Coding change: c.3701A>G on transcript NM_001371986.1 (MANE Select); coding-DNA position 3701, A replaced by G.
Protein change: p.Asn1234Ser; replaces asparagine 1234 with serine.
Molecular consequence: missense variant.
Genome position (GRCh38, 1-based): chr2:209,872,831, A>G. VCF-style: chr2-209872831-A-G. GRCh37 (hg19) VCF-style: chr2-210737555-A-G.
Other names: c.3707A>G, p.Asn1236Ser (NM_032504.2); c.3692A>G, p.Asn1231Ser (NM_182587.4); short protein forms N1231S, N1236S, N1234S.
Identifiers: ClinVar variation 2104659 (VCV002104659.4), dbSNP rs1223550841, ClinGen allele CA350741546.

ClinVar aggregate classification (germline): Uncertain significance (1 of 4 stars; one submission).

Allele frequency attached by ClinVar (database versions not stated): gnomAD exomes below 0.00001; gnomAD 0.00001; TOPMed 0.00001.
gnomAD v4.1: 3 of 1,542,262 alleles (0.00019%); highest among the groups gnomAD compares: African/African-American, 0.0028%; no homozygotes.

Submission:

Labcorp Genetics (formerly Invitae), Labcorp
Classification: Uncertain significance. Last evaluated: 2024-10-22. Review status: criteria provided, single submitter. Criteria: Invitae Variant Classification Sherloc (09022015). Collection method: clinical testing. Allele origin: germline.
Comment: This sequence change replaces asparagine, which is neutral and polar, with serine, which is neutral and polar, at codon 1236 of the UNC80 protein (p.Asn1236Ser). This variant is not present in population databases (gnomAD no frequency). This variant has not been reported in the literature in individuals affected with UNC80-related conditions. ClinVar contains an entry for this variant (Variation ID: 2104659). An algorithm developed to predict the effect of missense changes on protein structure and function (PolyPhen-2) suggests that this variant is likely to be disruptive. In summary, the available evidence is currently insufficient to determine the role of this variant in disease. Therefore, it has been classified as a Variant of Uncertain Significance.